The following is an entry in ClinVar:

ClinVar aggregate classification (germline): Uncertain significance (1 of 4 stars; one submission).

Conditions:
Joubert syndrome. Also called: CEREBELLOPARENCHYMAL DISORDER IV; JOUBERT-BOLTSHAUSER SYNDROME; Familial aplasia of the vermis. Identifiers: Orphanet 475, MedGen C5979921, MONDO:0018772.

Allele frequency attached by ClinVar (database versions not stated): gnomAD exomes below 0.00001.
gnomAD v4.1: 5 of 1,561,292 alleles (0.00032%); highest among the groups gnomAD compares: South Asian, 0.0059%; no homozygotes.

Submission:

Labcorp Genetics (formerly Invitae), Labcorp
Classification: Uncertain significance for Joubert syndrome. Last evaluated: 2022-03-18. Review status: criteria provided, single submitter. Criteria: Invitae Variant Classification Sherloc (09022015). Collection method: clinical testing. Allele origin: germline.
Comment: This sequence change replaces methionine, which is neutral and non-polar, with valine, which is neutral and non-polar, at codon 827 of the AHI1 protein (p.Met827Val). This variant is present in population databases (rs776624343, gnomAD 0.004%). This variant has not been reported in the literature in individuals affected with AHI1-related conditions. Advanced modeling of protein sequence and biophysical properties (such as structural, functional, and spatial information, amino acid conservation, physicochemical variation, residue mobility, and thermodynamic stability) performed at Invitae indicates that this missense variant is not expected to disrupt AHI1 protein function. In summary, the available evidence is currently insufficient to determine the role of this variant in disease. Therefore, it has been classified as a Variant of Uncertain Significance.

NM_001134831.2(AHI1):c.2479A>G (p.Met827Val)

Gene: AHI1 (Abelson helper integration site 1; minus strand). Cytogenetic location: 6q23.3.
Variant type: single nucleotide variant.
Coding change: c.2479A>G on transcript NM_001134831.2 (MANE Select); coding-DNA position 2479, A replaced by G.
Protein change: p.Met827Val; replaces methionine 827 with valine.
Molecular consequence: missense variant.
Genome position (GRCh38, 1-based): chr6:135,429,895, T>C on the plus strand (A>G on the coding strand, the complement: AHI1 is on the minus strand). VCF-style: chr6-135429895-T-C. GRCh37 (hg19) VCF-style: chr6-135751033-T-C.
Other names: c.2479A>G, p.Met827Val (NM_001134830.2, NM_001134832.2, NM_001350503.2 and 2 more transcripts); short protein forms M827V.
Identifiers: ClinVar variation 1975741 (VCV001975741.2), dbSNP rs776624343, ClinGen allele CA4012372.